The following is an entry in ClinVar:

NM_003924.4(PHOX2B):c.543C>G (p.Asp181Glu)

Gene: PHOX2B (paired like homeobox 2B; minus strand). Cytogenetic location: 4p13.
Variant type: single nucleotide variant.
Coding change: c.543C>G on transcript NM_003924.4 (MANE Select); coding-DNA position 543, C replaced by G.
Protein change: p.Asp181Glu; replaces aspartic acid 181 with glutamic acid.
Molecular consequence: missense variant.
Genome position (GRCh38, 1-based): chr4:41,746,209, G>C on the plus strand (C>G on the coding strand, the complement: PHOX2B is on the minus strand). VCF-style: chr4-41746209-G-C. GRCh37 (hg19) VCF-style: chr4-41748226-G-C.
Other names: short protein forms D181E.
Identifiers: ClinVar variation 1720133 (VCV001720133.5), dbSNP rs780690330, ClinGen allele CA356738235.

ClinVar aggregate classification (germline): Uncertain significance (1 of 4 stars; one submission).

Conditions:
Haddad syndrome (OHD). Also called: Ondine-Hirschsprung disease. Identifiers: Orphanet 99803, MedGen C1859049, MONDO:0020493.

Submission:

Labcorp Genetics (formerly Invitae), Labcorp
Classification: Uncertain significance for Haddad syndrome. Last evaluated: 2022-09-23. Review status: criteria provided, single submitter. Criteria: Invitae Variant Classification Sherloc (09022015). Collection method: clinical testing. Allele origin: germline.
Comment: This sequence change replaces aspartic acid, which is acidic and polar, with glutamic acid, which is acidic and polar, at codon 181 of the PHOX2B protein (p.Asp181Glu). This variant is not present in population databases (gnomAD no frequency). This variant has not been reported in the literature in individuals affected with PHOX2B-related conditions. Advanced modeling of protein sequence and biophysical properties (such as structural, functional, and spatial information, amino acid conservation, physicochemical variation, residue mobility, and thermodynamic stability) performed at Invitae indicates that this missense variant is not expected to disrupt PHOX2B protein function. In summary, the available evidence is currently insufficient to determine the role of this variant in disease. Therefore, it has been classified as a Variant of Uncertain Significance.